The following is an entry in ClinVar:

NM_004525.3(LRP2):c.1388A>G (p.Asn463Ser)

Gene: LRP2 (LDL receptor related protein 2; minus strand). Cytogenetic location: 2q31.1.
Variant type: single nucleotide variant.
Coding change: c.1388A>G on transcript NM_004525.3 (MANE Select); coding-DNA position 1388, A replaced by G.
Protein change: p.Asn463Ser; replaces asparagine 463 with serine.
Molecular consequence: missense variant.
Genome position (GRCh38, 1-based): chr2:169,279,549, T>C on the plus strand (A>G on the coding strand, the complement: LRP2 is on the minus strand). VCF-style: chr2-169279549-T-C. GRCh37 (hg19) VCF-style: chr2-170136059-T-C.
Other names: c.1388A>G (NM_004525.2); short protein forms N463S.
Identifiers: ClinVar variation 1386529 (VCV001386529.10), dbSNP rs202154723, ClinGen allele CA1955570.

ClinVar aggregate classification (germline): Uncertain significance. Review status: criteria provided, multiple submitters, no conflicts (2 of 4 stars). 3 submissions from 3 submitters: Uncertain significance (3). Last evaluated 2026-09-08.

Conditions:
LRP2-related disorder. Also called: LRP2-related condition.
Donnai-Barrow syndrome. Also called: FACIOOCULOACOUSTICORENAL SYNDROME; DBS/FOAR SYNDROME. Identifiers: Orphanet 2143, MedGen C1857277, MONDO:0009104, OMIM 222448.

Allele frequency attached by ClinVar (database versions not stated): gnomAD exomes 0.00002 and 0.00007; gnomAD 0.00003; ExAC 0.00004; TOPMed 0.00004; ESP Exome Variant Server 0.00023.
gnomAD v4.1: 110 of 1,613,872 alleles (0.0068%); highest among the groups gnomAD compares: Non-Finnish European, 0.0089%; no homozygotes.

Submissions (3):

PreventionGenetics, part of Exact Sciences
Classification: Uncertain significance for LRP2-related condition. Last evaluated: 2026-09-08. Review status: criteria provided, single submitter. Criteria: ACMG Guidelines, 2015. Collection method: clinical testing. Allele origin: germline.
Comment: The LRP2 c.1388A>G variant is predicted to result in the amino acid substitution p.Asn463Ser. To our knowledge, this variant has not been reported in the literature. This variant is reported in 0.0047% of alleles in individuals of European (Non-Finnish) descent in gnomAD. At this time, the clinical significance of this variant is uncertain due to the absence of conclusive functional and genetic evidence.

Labcorp Genetics (formerly Invitae), Labcorp
Classification: Uncertain significance. Last evaluated: 2024-10-16. Review status: criteria provided, single submitter. Criteria: Invitae Variant Classification Sherloc (09022015). Collection method: clinical testing. Allele origin: germline.
Comment: This sequence change replaces asparagine, which is neutral and polar, with serine, which is neutral and polar, at codon 463 of the LRP2 protein (p.Asn463Ser). This variant is present in population databases (rs202154723, gnomAD 0.005%). This variant has not been reported in the literature in individuals affected with LRP2-related conditions. ClinVar contains an entry for this variant (Variation ID: 1386529). Invitae Evidence Modeling of protein sequence and biophysical properties (such as structural, functional, and spatial information, amino acid conservation, physicochemical variation, residue mobility, and thermodynamic stability) indicates that this missense variant is not expected to disrupt LRP2 protein function with a negative predictive value of 80%. In summary, the available evidence is currently insufficient to determine the role of this variant in disease. Therefore, it has been classified as a Variant of Uncertain Significance.

Fulgent Genetics
Classification: Uncertain significance for Donnai-Barrow syndrome. Last evaluated: 2024-04-15. Review status: criteria provided, single submitter. Criteria: ACMG Guidelines, 2015. Collection method: clinical testing. Allele origin: germline.